The following is an entry in ClinVar:

ClinVar aggregate classification (germline): Uncertain significance (1 of 4 stars; one submission).

Submission:

Labcorp Genetics (formerly Invitae), Labcorp
Classification: Uncertain significance. Last evaluated: 2020-08-24. Review status: criteria provided, single submitter. Criteria: Invitae Variant Classification Sherloc (09022015). Collection method: clinical testing. Allele origin: germline.
Comment: In summary, the available evidence is currently insufficient to determine the role of this variant in disease. Therefore, it has been classified as a Variant of Uncertain Significance. Experimental studies and prediction algorithms are not available or were not evaluated, and the functional significance of this variant is currently unknown. This variant has not been reported in the literature in individuals with FAM161A-related conditions. This variant is not present in population databases (ExAC no frequency). This variant, c.759_761del, results in the deletion of 1 amino acid(s) of the FAM161A protein (p.Glu254del), but otherwise preserves the integrity of the reading frame.

NM_001201543.2(FAM161A):c.756AGA[1] (p.Glu254del)

Gene: FAM161A (FAM161 centrosomal protein A; minus strand). Cytogenetic location: 2p15.
Variant type: Microsatellite.
Coding change: c.756AGA[1] on transcript NM_001201543.2 (MANE Select); one copy of the 3-base unit AGA starting at c.756; the reference has two copies in a row; one copy, 3 bases deleted.
Protein change: p.Glu254del; deletes glutamic acid 254.
Molecular consequence: inframe deletion. On other transcripts: non-coding transcript variant (1).
Genome position (GRCh38, 1-based): chr2:61,840,243-61,840,245, TCT deleted on the plus strand (AGA on the coding strand, the reverse complement: FAM161A is on the minus strand); deleting any 3 consecutive bases within chr2:61,840,243-61,840,249 gives the same sequence; the position shown is the placement nearest the transcript's 3' end. VCF-style (leftmost placement, unchanged base first): chr2-61840242-CTCT-C. GRCh37 (hg19) VCF-style: chr2-62067377-CTCT-C.
Other names: c.756AGA[1], p.Glu254del (NM_032180.3); short protein forms E254del.
Identifiers: ClinVar variation 1052205 (VCV001052205.9), dbSNP rs2105082875, ClinGen allele CA2580611643.